The following is an entry in ClinVar:

NM_000492.4(CFTR):c.2192C>G (p.Pro731Arg)

Gene: CFTR (CF transmembrane conductance regulator; plus strand). Cytogenetic location: 7q31.2.
Variant type: single nucleotide variant.
Coding change: c.2192C>G on transcript NM_000492.4 (MANE Select); coding-DNA position 2192, C replaced by G.
Protein change: p.Pro731Arg; replaces proline 731 with arginine.
Molecular consequence: missense variant.
Genome position (GRCh38, 1-based): chr7:117,592,359, C>G. VCF-style: chr7-117592359-C-G. GRCh37 (hg19) VCF-style: chr7-117232413-C-G.
Other names: short protein forms P731R.
Identifiers: ClinVar variation 1787439 (VCV001787439.2), dbSNP rs748634753, ClinGen allele CA368980342.

ClinVar aggregate classification (germline): Uncertain significance (1 of 4 stars; one submission).

Conditions:
Cystic fibrosis (CF). Also called: MUCOVISCIDOSIS. Identifiers: Orphanet 586, MedGen C0010674, MONDO:0009061, OMIM 219700. Disease mechanism: loss of function.

Submission:

Ambry Genetics
Classification: Uncertain significance for Cystic fibrosis. Last evaluated: 2022-06-30. Review status: criteria provided, single submitter. Criteria: Ambry Variant Classification Scheme 2023. Collection method: clinical testing. Allele origin: germline.
Comment: The p.P731R variant (also known as c.2192C>G), located in coding exon 14 of the CFTR gene, results from a C to G substitution at nucleotide position 2192. The proline at codon 731 is replaced by arginine, an amino acid with dissimilar properties. This amino acid position is conserved. In addition, the in silico prediction for this alteration is inconclusive. Since supporting evidence is limited at this time, the clinical significance of this alteration remains unclear.